The following is an entry in ClinVar:

ClinVar aggregate classification (germline): Likely benign (1 of 4 stars; one submission).

Conditions:
CIC-related disorder. Also called: CIC-related condition.

gnomAD v4.1: 23 of 1,613,266 alleles (0.0014%); highest among the groups gnomAD compares: Admixed American, 0.023%; no homozygotes.

Submission:

PreventionGenetics, part of Exact Sciences
Classification: Likely benign for CIC-related condition. Last evaluated: 2025-04-19. Review status: criteria provided, single submitter. Criteria: ACMG Guidelines, 2015. Collection method: clinical testing. Allele origin: germline.
Comment: This variant is classified as likely benign based on ACMG/AMP sequence variant interpretation guidelines (Richards et al. 2015 PMID: 25741868, with internal and published modifications).

NM_001386298.1(CIC):c.4473G>A (p.Ala1491=)

Gene: CIC (capicua transcriptional repressor; plus strand). Cytogenetic location: 19q13.2.
Variant type: single nucleotide variant.
Coding change: c.4473G>A on transcript NM_001386298.1 (MANE Select); coding-DNA position 4473, G replaced by A.
Protein change: p.Ala1491=; no amino-acid change (alanine 1491 retained).
Molecular consequence: synonymous variant.
Genome position (GRCh38, 1-based): chr19:42,290,514, G>A. VCF-style: chr19-42290514-G-A. GRCh37 (hg19) VCF-style: chr19-42794666-G-A.
Other names: c.4473G>A, p.Ala1491= (NM_001304815.2, NM_001379480.1, NM_001379482.1 and 6 more transcripts); c.1746G>A, p.Ala582= (NM_001379484.1, NM_001379485.1, NM_001439189.1 and 3 more transcripts).
Identifiers: ClinVar variation 4981756 (VCV004981756.1).